The following is an entry in ClinVar:

NM_005765.3(ATP6AP2):c.382G>C (p.Ala128Pro)

Gene: ATP6AP2 (ATPase H+ transporting accessory protein 2; plus strand). Cytogenetic location: Xp11.4.
Variant type: single nucleotide variant.
Coding change: c.382G>C on transcript NM_005765.3 (MANE Select); coding-DNA position 382, G replaced by C.
Protein change: p.Ala128Pro; replaces alanine 128 with proline.
Molecular consequence: missense variant.
Genome position (GRCh38, 1-based): chrX:40,597,330, G>C. VCF-style: chrX-40597330-G-C. GRCh37 (hg19) VCF-style: chrX-40456582-G-C.
Other names: short protein forms A128P.
Identifiers: ClinVar variation 3701673 (VCV003701673.2).

ClinVar aggregate classification (germline): Uncertain significance (1 of 4 stars; one submission).

Conditions:
Intellectual developmental disorder, X-linked, syndromic, Hedera type. Also called: Syndromic X-linked intellectual disability Hedera type. Identifiers: Orphanet 93952, MedGen C1845543, MONDO:0010319, OMIM 300423.

Submission:

Labcorp Genetics (formerly Invitae), Labcorp
Classification: Uncertain significance for Intellectual developmental disorder, X-linked, syndromic, Hedera type. Last evaluated: 2024-12-07. Review status: criteria provided, single submitter. Criteria: Invitae Variant Classification Sherloc (09022015). Collection method: clinical testing. Allele origin: germline.
Comment: This sequence change replaces alanine, which is neutral and non-polar, with proline, which is neutral and non-polar, at codon 128 of the ATP6AP2 protein (p.Ala128Pro). This variant is not present in population databases (gnomAD no frequency). This variant has not been reported in the literature in individuals affected with ATP6AP2-related conditions. Invitae Evidence Modeling of protein sequence and biophysical properties (such as structural, functional, and spatial information, amino acid conservation, physicochemical variation, residue mobility, and thermodynamic stability) indicates that this missense variant is not expected to disrupt ATP6AP2 protein function with a negative predictive value of 80%. In summary, the available evidence is currently insufficient to determine the role of this variant in disease. Therefore, it has been classified as a Variant of Uncertain Significance.